The following is an entry in ClinVar:

ClinVar aggregate classification (germline): Uncertain significance (1 of 4 stars; one submission).

Submission:

Labcorp Genetics (formerly Invitae), Labcorp
Classification: Uncertain significance. Last evaluated: 2023-12-30. Review status: criteria provided, single submitter. Criteria: Invitae Variant Classification Sherloc (09022015). Collection method: clinical testing. Allele origin: germline.
Comment: This sequence change replaces glutamine, which is neutral and polar, with lysine, which is basic and polar, at codon 866 of the COL4A1 protein (p.Gln866Lys). This variant is not present in population databases (gnomAD no frequency). This variant has not been reported in the literature in individuals affected with COL4A1-related conditions. An algorithm developed to predict the effect of missense changes on protein structure and function (PolyPhen-2) suggests that this variant is likely to be tolerated. In summary, the available evidence is currently insufficient to determine the role of this variant in disease. Therefore, it has been classified as a Variant of Uncertain Significance.

NM_001845.6(COL4A1):c.2596C>A (p.Gln866Lys)

Gene: COL4A1 (collagen type IV alpha 1 chain; minus strand). Cytogenetic location: 13q34.
Variant type: single nucleotide variant.
Coding change: c.2596C>A on transcript NM_001845.6 (MANE Select); coding-DNA position 2596, C replaced by A.
Protein change: p.Gln866Lys; replaces glutamine 866 with lysine.
Molecular consequence: missense variant.
Genome position (GRCh38, 1-based): chr13:110,178,094, G>T on the plus strand (C>A on the coding strand, the complement: COL4A1 is on the minus strand). VCF-style: chr13-110178094-G-T. GRCh37 (hg19) VCF-style: chr13-110830441-G-T.
Other names: short protein forms Q866K.
Identifiers: ClinVar variation 2706518 (VCV002706518.3), dbSNP rs2501780175, ClinGen allele CA388667773.